The following is an entry in ClinVar:

NM_001139.3(ALOX12B):c.1349G>C (p.Gly450Ala)

Gene: ALOX12B (arachidonate 12-lipoxygenase, 12R type; minus strand). Cytogenetic location: 17p13.1.
Variant type: single nucleotide variant.
Coding change: c.1349G>C on transcript NM_001139.3 (MANE Select); coding-DNA position 1349, G replaced by C.
Protein change: p.Gly450Ala; replaces glycine 450 with alanine.
Molecular consequence: missense variant.
Genome position (GRCh38, 1-based): chr17:8,076,670, C>G on the plus strand (G>C on the coding strand, the complement: ALOX12B is on the minus strand). VCF-style: chr17-8076670-C-G. GRCh37 (hg19) VCF-style: chr17-7979988-C-G.
Other names: short protein forms G450A.
Identifiers: ClinVar variation 1391509 (VCV001391509.8), dbSNP rs772257172, ClinGen allele CA8367335.
Genomic context (GRCh38, chr17:8,076,670, plus strand): 5'-CCAGAGGAAAACAAATGTCTCGTTGGGGTTGGGGGCAGAAGTCTTACCTTGGCAGAGAGC[C>G]CCCCCTCATTGAGGAGAACGGCCCGGCCAATGCTGTTGATCTGGACGGTGTATCGGGTAT-3'
Protein context (NP_001130.1, residues 440-460): IGRAVLLNEG[Gly450Ala]LSAKGMSLGV

ClinVar aggregate classification (germline): Uncertain significance (1 of 4 stars; one submission).

Allele frequency attached by ClinVar (database versions not stated): gnomAD exomes 0.00001; ExAC 0.00005.
gnomAD v4.1: 7 of 1,551,380 alleles (0.00045%); highest among the groups gnomAD compares: Non-Finnish European, 0.00052%; no homozygotes.

Submission:

Labcorp Genetics (formerly Invitae), Labcorp
Classification: Uncertain significance. Last evaluated: 2021-12-27. Review status: criteria provided, single submitter. Criteria: Invitae Variant Classification Sherloc (09022015). Collection method: clinical testing. Allele origin: germline.
Comment: This sequence change replaces glycine, which is neutral and non-polar, with alanine, which is neutral and non-polar, at codon 450 of the ALOX12B protein (p.Gly450Ala). This variant is present in population databases (rs772257172, gnomAD 0.002%). This variant has not been reported in the literature in individuals affected with ALOX12B-related conditions. Advanced modeling of protein sequence and biophysical properties (such as structural, functional, and spatial information, amino acid conservation, physicochemical variation, residue mobility, and thermodynamic stability) performed at Invitae indicates that this missense variant is expected to disrupt ALOX12B protein function. In summary, the available evidence is currently insufficient to determine the role of this variant in disease. Therefore, it has been classified as a Variant of Uncertain Significance.